The following is an entry in ClinVar:

ClinVar aggregate classification (germline): Likely benign. Review status: criteria provided, multiple submitters, no conflicts (2 of 4 stars). 2 submissions from 2 submitters: Likely benign (2). Last evaluated 2022-12-01.

Allele frequency attached by ClinVar (database versions not stated): ExAC 0.00001; gnomAD 0.00001; TOPMed 0.00001.

Submissions (2):

CeGaT Center for Human Genetics Tuebingen
Classification: Likely benign. Last evaluated: 2022-12-01. Review status: criteria provided, single submitter. Criteria: CeGaT Center For Human Genetics Tuebingen Variant Classification Criteria Version 2. Collection method: clinical testing. Allele origin: germline. Affected: yes. Observed: 1 variant allele.
Comment: DUSP6: BP4, BP7

Blueprint Genetics
Classification: Likely benign. Last evaluated: 2021-10-13. Review status: criteria provided, single submitter. Criteria: ACMG Guidelines, 2015. Collection method: clinical testing. Allele origin: germline.

NM_001946.4(DUSP6):c.79C>T (p.Leu27=)

Genes: DUSP6 (dual specificity phosphatase 6; minus strand), POC1B-DUSP6 (POC1B-DUSP6 readthrough; minus strand). Cytogenetic location: 12q21.33.
Variant type: single nucleotide variant.
Coding change: c.79C>T on transcript NM_001946.4 (MANE Select); coding-DNA position 79, C replaced by T.
Protein change: p.Leu27=; no amino-acid change (leucine 27 retained).
Molecular consequence: synonymous variant.
Genome position (GRCh38, 1-based): chr12:89,351,961, G>A on the plus strand (C>T on the coding strand, the complement: DUSP6 is on the minus strand). VCF-style: chr12-89351961-G-A. GRCh37 (hg19) VCF-style: chr12-89745738-G-A.
Other names: c.79C>T, p.Leu27= (NM_022652.4).
Identifiers: ClinVar variation 2643212 (VCV002643212.25), dbSNP rs764390682, ClinGen allele CA6714124.